The following is an entry in ClinVar:

ClinVar aggregate classification (germline): Uncertain significance (1 of 4 stars; one submission).

Submission:

Labcorp Genetics (formerly Invitae), Labcorp
Classification: Uncertain significance. Last evaluated: 2024-02-24. Review status: criteria provided, single submitter. Criteria: Invitae Variant Classification Sherloc (09022015). Collection method: clinical testing. Allele origin: germline.
Comment: This sequence change replaces asparagine, which is neutral and polar, with aspartic acid, which is acidic and polar, at codon 973 of the SIN3A protein (p.Asn973Asp). This variant is not present in population databases (gnomAD no frequency). This variant has not been reported in the literature in individuals affected with SIN3A-related conditions. ClinVar contains an entry for this variant (Variation ID: 2090640). Advanced modeling of protein sequence and biophysical properties (such as structural, functional, and spatial information, amino acid conservation, physicochemical variation, residue mobility, and thermodynamic stability) has been performed at Invitae for this missense variant, however the output from this modeling did not meet the statistical confidence thresholds required to predict the impact of this variant on SIN3A protein function. In summary, the available evidence is currently insufficient to determine the role of this variant in disease. Therefore, it has been classified as a Variant of Uncertain Significance.

NM_001145358.2(SIN3A):c.2917A>G (p.Asn973Asp)

Gene: SIN3A (SIN3 transcription regulator family member A; minus strand). Cytogenetic location: 15q24.2.
Variant type: single nucleotide variant.
Coding change: c.2917A>G on transcript NM_001145358.2 (MANE Select); coding-DNA position 2917, A replaced by G.
Protein change: p.Asn973Asp; replaces asparagine 973 with aspartic acid.
Molecular consequence: missense variant.
Genome position (GRCh38, 1-based): chr15:75,389,756, T>C on the plus strand (A>G on the coding strand, the complement: SIN3A is on the minus strand). VCF-style: chr15-75389756-T-C. GRCh37 (hg19) VCF-style: chr15-75682097-T-C.
Other names: c.2917A>G, p.Asn973Asp (NM_001145357.2, NM_015477.3); short protein forms N973D.
Identifiers: ClinVar variation 2090640 (VCV002090640.4), dbSNP rs2543061577, ClinGen allele CA393489517.
Genomic context (GRCh38, chr15:75,389,756, plus strand): 5'-TGTAGGCATGAATGGTGAACATCTCTCTCAGTGAATCTTCATACTGTGATGAGTCTATGT[T>C]GCCATCCAGCAGGCTCCGCACCATGTCCAGGAAAGCTGGGTAATAATCTTCTACATCAAC-3'
Protein context (NP_001138830.1, residues 963-983): LDMVRSLLDG[Asn973Asp]IDSSQYEDSL